The following is an entry in ClinVar:

ClinVar aggregate classification (germline): Benign. Review status: criteria provided, multiple submitters, no conflicts (2 of 4 stars). 2 submissions from 2 submitters: Benign (2). Last evaluated 2018-01-12.

Conditions:
Diamond-Blackfan anemia 3 (DBA3). Also called: RPS24-Related Diamond-Blackfan Anemia. Identifiers: Orphanet 124, MedGen C1857719, MONDO:0012529, OMIM 610629.

Allele frequency attached by ClinVar (database versions not stated): gnomAD 0.03888 and 0.04570; 1000 Genomes Project 0.11382; TOPMed 0.04685; 1000 Genomes Project 30x 0.11009.

Submissions (2):

Illumina Laboratory Services, Illumina
Classification: Benign for Diamond-Blackfan anemia 3. Last evaluated: 2018-01-12. Review status: criteria provided, single submitter. Criteria: ICSL Variant Classification Criteria 13 December 2019. Collection method: clinical testing. Allele origin: germline.
Comment: This variant was observed in the ICSL laboratory as part of a predisposition screen in an ostensibly healthy population. It had not been previously curated by ICSL or reported in the Human Gene Mutation Database (HGMD: prior to June 1st, 2018), and was therefore a candidate for classification through an automated scoring system. Utilizing variant allele frequency, disease prevalence and penetrance estimates, and inheritance mode, an automated score was calculated to assess if this variant is too frequent to cause the disease. Based on the score and internal cut-off values, a variant classified as benign is not then subjected to further curation. The score for this variant resulted in a classification of benign for this disease.

Breakthrough Genomics
Classification: Benign. Review status: criteria provided, single submitter. Criteria: ACMG Guidelines, 2015. Collection method: not provided. Allele origin: germline. Inheritance: Autosomal dominant inheritance. Affected: yes.

NM_033022.3(RPS24):c.-109A>G

Genes: RPS24 (ribosomal protein S24; plus strand), LOC130004144 (ATAC-STARR-seq lymphoblastoid active region 3613; plus strand). Cytogenetic location: 10q22.3.
Variant type: single nucleotide variant.
Coding change: c.-109A>G on transcript NM_033022.3; 109 bases upstream of the start codon, A replaced by G.
Genome position (GRCh38, 1-based): chr10:78,033,793, A>G. VCF-style: chr10-78033793-A-G. GRCh37 (hg19) VCF-style: chr10-79793551-A-G.
Identifiers: ClinVar variation 301088 (VCV000301088.9), dbSNP rs3740254, ClinGen allele CA10636086.